The following is an entry in ClinVar:

ClinVar aggregate classification (germline): Likely pathogenic (1 of 4 stars; one submission).

Conditions:
Neurodevelopmental disorder with hypotonia and variable intellectual and behavioral abnormalities. Identifiers: MedGen C5231423, MONDO:0032829, OMIM 618603.

Submission:

MVZ Medizinische Genetik Mainz
Classification: Likely pathogenic for Neurodevelopmental disorder with hypotonia and variable intellectual and behavioral abnormalities. Last evaluated: 2026-02-13. Review status: criteria provided, single submitter. Criteria: UK Practice Guidelines For Variant Classification V4 01 2020. Collection method: clinical testing. Allele origin: germline. Inheritance: Autosomal dominant inheritance. Affected: yes. Observed: 1 variant allele.
Comment: ACMG Criteria: PM1,PM2_SUP,PP2,PP3,PM6_MOD

NM_000937.5(POLR2A):c.1452G>C (p.Leu484Phe)

Gene: POLR2A (RNA polymerase II subunit A; plus strand). Cytogenetic location: 17p13.1.
Variant type: single nucleotide variant.
Coding change: c.1452G>C on transcript NM_000937.5 (MANE Select); coding-DNA position 1452, G replaced by C.
Protein change: p.Leu484Phe; replaces leucine 484 with phenylalanine.
Molecular consequence: missense variant.
Genome position (GRCh38, 1-based): chr17:7,499,155, G>C. VCF-style: chr17-7499155-G-C. GRCh37 (hg19) VCF-style: chr17-7402474-G-C.
Other names: short protein forms L484F.
Identifiers: ClinVar variation 4796773 (VCV004796773.1).